The following is an entry in ClinVar:

NM_001830.4(CLCN4):c.409G>A (p.Glu137Lys)

Gene: CLCN4 (chloride voltage-gated channel 4; plus strand). Cytogenetic location: Xp22.2.
Variant type: single nucleotide variant.
Coding change: c.409G>A on transcript NM_001830.4 (MANE Select); coding-DNA position 409, G replaced by A.
Protein change: p.Glu137Lys; replaces glutamic acid 137 with lysine.
Molecular consequence: missense variant.
Genome position (GRCh38, 1-based): chrX:10,195,075, G>A. VCF-style: chrX-10195075-G-A. GRCh37 (hg19) VCF-style: chrX-10163115-G-A.
Other names: c.127G>A, p.Glu43Lys (NM_001256944.2); short protein forms E137K, E43K.
Identifiers: ClinVar variation 1207946 (VCV001207946.8), dbSNP rs1163637716, ClinGen allele CA412034375.

ClinVar aggregate classification (germline): Uncertain significance. Review status: criteria provided, multiple submitters, no conflicts (2 of 4 stars). 2 submissions from 2 submitters: Uncertain significance (2). Last evaluated 2022-07-16.

Allele frequency attached by ClinVar (database versions not stated): gnomAD exomes below 0.00001 and 0.00001; TOPMed 0.00002.
gnomAD v4.1: 2 of 1,211,768 alleles (0.00017%); highest among the groups gnomAD compares: Admixed American, 0.0022%; no homozygotes.

Submissions (2):

Labcorp Genetics (formerly Invitae), Labcorp
Classification: Uncertain significance. Last evaluated: 2022-07-16. Review status: criteria provided, single submitter. Criteria: Invitae Variant Classification Sherloc (09022015). Collection method: clinical testing. Allele origin: germline.
Comment: This sequence change replaces glutamic acid, which is acidic and polar, with lysine, which is basic and polar, at codon 137 of the CLCN4 protein (p.Glu137Lys). This variant is present in population databases (no rsID available, gnomAD 0.004%). This variant has not been reported in the literature in individuals affected with CLCN4-related conditions. ClinVar contains an entry for this variant (Variation ID: 1207946). Algorithms developed to predict the effect of missense changes on protein structure and function (SIFT, PolyPhen-2, Align-GVGD) all suggest that this variant is likely to be tolerated. In summary, the available evidence is currently insufficient to determine the role of this variant in disease. Therefore, it has been classified as a Variant of Uncertain Significance.

GeneDx
Classification: Uncertain significance. Last evaluated: 2019-04-05. Review status: criteria provided, single submitter. Criteria: GeneDx Variant Classification Process June 2021. Collection method: clinical testing. Allele origin: germline. Affected: yes.
Comment: Not observed at a significant frequency in large population cohorts (Lek et al., 2016); In silico analysis, which includes protein predictors and evolutionary conservation, supports a deleterious effect; Has not been previously published as pathogenic or benign to our knowledge